The following is an entry in ClinVar:

ClinVar aggregate classification (germline): Benign (1 of 4 stars; one submission).

Allele frequency attached by ClinVar (database versions not stated): gnomAD 0.09813 and 0.10424; TOPMed 0.09997; 1000 Genomes Project 30x 0.15131; 1000 Genomes Project 0.15635.
gnomAD v4.1: 15,829 of 152,188 alleles (10%); highest among the groups gnomAD compares: East Asian, 29%; 976 homozygotes.

Submission:

GeneDx
Classification: Benign. Last evaluated: 2018-06-14. Review status: criteria provided, single submitter. Criteria: GeneDx Variant Classification (06012015). Collection method: clinical testing. Allele origin: germline. Affected: yes.
Comment: This variant is considered likely benign or benign based on one or more of the following criteria: it is a conservative change, it occurs at a poorly conserved position in the protein, it is predicted to be benign by multiple in silico algorithms, and/or has population frequency not consistent with disease.

NM_177550.5(SLC13A5):c.547+202G>A

Gene: SLC13A5 (solute carrier family 13 member 5; minus strand). Cytogenetic location: 17p13.1.
Variant type: single nucleotide variant.
Coding change: c.547+202G>A on transcript NM_177550.5 (MANE Select); 202 bases into the intron after coding-DNA position 547, G replaced by A.
Molecular consequence: intron variant.
Genome position (GRCh38, 1-based): chr17:6,703,676, C>T on the plus strand (G>A on the coding strand, the complement: SLC13A5 is on the minus strand). VCF-style: chr17-6703676-C-T. GRCh37 (hg19) VCF-style: chr17-6606995-C-T.
Other names: c.418+202G>A (NM_001284510.2); c.496+202G>A (NM_001284509.2); c.547+202G>A (NM_001143838.3).
Identifiers: ClinVar variation 672844 (VCV000672844.1), dbSNP rs76446096, ClinGen allele CA15913616.